The following is an entry in ClinVar:

ClinVar aggregate classification (germline): Uncertain significance. Review status: criteria provided, multiple submitters, no conflicts (2 of 4 stars). 2 submissions from 2 submitters: Uncertain significance (2). Last evaluated 2025-12-15.

Allele frequency attached by ClinVar (database versions not stated): gnomAD 0.00001; gnomAD exomes 0.00001 and 0.00006; TOPMed 0.00002; ExAC 0.00007.
gnomAD v4.1: 19 of 1,613,074 alleles (0.0012%); highest among the groups gnomAD compares: Admixed American, 0.032%; no homozygotes.

Submissions (2):

Labcorp Genetics (formerly Invitae), Labcorp
Classification: Uncertain significance. Last evaluated: 2025-12-15. Review status: criteria provided, single submitter. Criteria: Invitae Variant Classification Sherloc (09022015). Collection method: clinical testing. Allele origin: germline.
Comment: This sequence change replaces glutamic acid, which is acidic and polar, with lysine, which is basic and polar, at codon 771 of the IL12RB2 protein (p.Glu771Lys). This variant is present in population databases (rs780230506, gnomAD 0.05%). This variant has not been reported in the literature in individuals affected with IL12RB2-related conditions. ClinVar contains an entry for this variant (Variation ID: 1447587). An algorithm developed to predict the effect of missense changes on protein structure and function (PolyPhen-2) suggests that this variant is likely to be tolerated. In summary, the available evidence is currently insufficient to determine the role of this variant in disease. Therefore, it has been classified as a Variant of Uncertain Significance.

Ambry Genetics
Classification: Uncertain significance. Last evaluated: 2023-01-26. Review status: criteria provided, single submitter. Criteria: Ambry Variant Classification Scheme 2023. Collection method: clinical testing. Allele origin: germline.

NM_001374259.2(IL12RB2):c.2311G>A (p.Glu771Lys)

Gene: IL12RB2 (interleukin 12 receptor subunit beta 2; plus strand). Cytogenetic location: 1p31.3.
Variant type: single nucleotide variant.
Coding change: c.2311G>A on transcript NM_001374259.2 (MANE Select); coding-DNA position 2311, G replaced by A.
Protein change: p.Glu771Lys; replaces glutamic acid 771 with lysine.
Molecular consequence: missense variant. On other transcripts: 3 prime UTR variant (3), non-coding transcript variant (2).
Genome position (GRCh38, 1-based): chr1:67,395,811, G>A. VCF-style: chr1-67395811-G-A. GRCh37 (hg19) VCF-style: chr1-67861494-G-A.
Other names: c.2311G>A (NM_001559.2); c.*231G>A (NM_001258214.1, NM_001319233.1); c.2053G>A, p.Glu685Lys (NM_001258215.1); c.*212G>A (NM_001258216.1); c.2311G>A, p.Glu771Lys (NM_001559.3); short protein forms E685K, E771K.
Identifiers: ClinVar variation 1447587 (VCV001447587.9), dbSNP rs780230506, ClinGen allele CA900706.